The following is an entry in ClinVar:

ClinVar aggregate classification (germline): Conflicting classifications of pathogenicity. Review status: criteria provided, conflicting classifications (1 of 4 stars). 2 submissions from 2 submitters: Uncertain significance (1); Likely benign (1). Last evaluated 2022-11-16.

Conditions:
Hereditary cancer-predisposing syndrome. Also called: Tumor predisposition; Neoplastic Syndromes, Hereditary; Hereditary Cancer Syndrome; Hereditary neoplastic syndrome. Identifiers: Orphanet 140162, MedGen C0027672, MeSH D009386, MONDO:0015356.

Submissions (2):

Quest Diagnostics Nichols Institute San Juan Capistrano
Classification: Uncertain significance. Last evaluated: 2022-11-16. Review status: criteria provided, single submitter. Criteria: Quest Diagnostics criteria. Collection method: clinical testing. Allele origin: unknown.
Comment: To the best of our knowledge, the variant has not been reported in the published literature. It also has not been reported in large, multi-ethnic general populations. Analysis of this variant using software algorithms for the prediction of the effect of nucleotide changes on splicing yielded predictions that this variant does not affect RAD50 mRNA splicing . Based on the available information, we are unable to determine the clinical significance of this variant.

Labcorp Genetics (formerly Invitae), Labcorp
Classification: Likely benign for Hereditary cancer-predisposing syndrome. Last evaluated: 2021-09-01. Review status: criteria provided, single submitter. Criteria: Invitae Variant Classification Sherloc (09022015). Collection method: clinical testing. Allele origin: germline.

NM_005732.4(RAD50):c.2208-9T>C

Gene: RAD50 (RAD50 double strand break repair protein; plus strand). Cytogenetic location: 5q31.1.
Variant type: single nucleotide variant.
Coding change: c.2208-9T>C on transcript NM_005732.4 (MANE Select); 9 bases into the intron before coding-DNA position 2208, T replaced by C.
Molecular consequence: intron variant.
Genome position (GRCh38, 1-based): chr5:132,603,291, T>C. VCF-style: chr5-132603291-T-C. GRCh37 (hg19) VCF-style: chr5-131938983-T-C.
Other names: c.2208-9T>C (NM_005732.3).
Identifiers: ClinVar variation 1581424 (VCV001581424.9), dbSNP rs2149846839, ClinGen allele CA2573138937.